The following is an entry in ClinVar:

ClinVar aggregate classification (germline): Likely benign. Review status: criteria provided, single submitter (1 of 4 stars). 2 submissions from 2 submitters: Likely benign (1). 1 of the submissions does not count toward it. Last evaluated 2025-02-11.

Conditions:
LRP4-related disorder. Also called: LRP4-related condition.
Congenital myasthenic syndrome 17. Identifiers: Orphanet 590, MedGen C4225377, MONDO:0014578, OMIM 616304.
Sclerosteosis 2 (SOST2). Identifiers: Orphanet 3152, MedGen C3280402, MONDO:0013679, OMIM 614305.
Cenani-Lenz syndactyly syndrome. Also called: SYNDACTYLY, TYPE VII; CENANI SYNDACTYLISM. Identifiers: Orphanet 3258, MedGen C1859309, MONDO:0008931, OMIM 212780.

Allele frequency attached by ClinVar (database versions not stated): TOPMed below 0.00001.

Submissions (2):

Labcorp Genetics (formerly Invitae), Labcorp
Classification: Likely benign for Cenani-Lenz syndactyly syndrome; Sclerosteosis 2; Congenital myasthenic syndrome 17. Last evaluated: 2025-02-11. Review status: criteria provided, single submitter. Criteria: Invitae Variant Classification Sherloc (09022015). Collection method: clinical testing. Allele origin: germline.

PreventionGenetics, part of Exact Sciences
Classification: Likely benign for LRP4-related condition. Last evaluated: 2021-05-12. Review status: no assertion criteria provided. Collection method: clinical testing. Allele origin: germline. Not counted in ClinVar's aggregate classification.
Comment: This variant is classified as likely benign based on ACMG/AMP sequence variant interpretation guidelines (Richards et al. 2015 PMID: 25741868, with internal and published modifications).

NM_002334.4(LRP4):c.5319A>G (p.Thr1773=)

Genes: LRP4 (LDL receptor related protein 4; minus strand), LRP4-AS1 (LRP4 antisense RNA 1; plus strand). Cytogenetic location: 11p11.2.
Variant type: single nucleotide variant.
Coding change: c.5319A>G on transcript NM_002334.4 (MANE Select); coding-DNA position 5319, A replaced by G.
Protein change: p.Thr1773=; no amino-acid change (threonine 1773 retained).
Molecular consequence: synonymous variant.
Genome position (GRCh38, 1-based): chr11:46,862,672, T>C on the plus strand (A>G on the coding strand, the complement: LRP4 is on the minus strand). VCF-style: chr11-46862672-T-C. GRCh37 (hg19) VCF-style: chr11-46884223-T-C.
Other names: c.5319A>G (NM_002334.3).
Identifiers: ClinVar variation 2421389 (VCV002421389.9), dbSNP rs765647853, ClinGen allele CA473875576.